The following is an entry in ClinVar:

NM_004548.3(NDUFB10):c.246C>T (p.Ala82=)

Gene: NDUFB10 (NADH:ubiquinone oxidoreductase subunit B10; plus strand). Cytogenetic location: 16p13.3.
Variant type: single nucleotide variant.
Coding change: c.246C>T on transcript NM_004548.3 (MANE Select); coding-DNA position 246, C replaced by T.
Protein change: p.Ala82=; no amino-acid change (alanine 82 retained).
Molecular consequence: synonymous variant.
Genome position (GRCh38, 1-based): chr16:1,961,268, C>T. VCF-style: chr16-1961268-C-T. GRCh37 (hg19) VCF-style: chr16-2011269-C-T.
Other names: c.246C>T (NM_004548.2).
Identifiers: ClinVar variation 2902989 (VCV002902989.5), dbSNP rs201009092, ClinGen allele CA7823293.
Genomic context (GRCh38, chr16:1,961,268, plus strand): 5'-CCGCCGCGTGCCAGACATCACTGAGTGCAAGGAGGAGGACATCATGTGCATGTATGAAGC[C>T]GAAATGCAGTGGAAGAGGGACTAGTACGTGAGCCATGCTGGGAGTGTGGAGATCTGCACC-3'
Protein context (NP_004539.1, residues 72-92): KEEDIMCMYE[Ala82=]EMQWKRDYKV

ClinVar aggregate classification (germline): Benign. Review status: criteria provided, single submitter (1 of 4 stars). 2 submissions from 2 submitters: Benign (1). 1 of the submissions does not count toward it. Last evaluated 2026-01-26.

Conditions:
NDUFB10-related disorder. Also called: NDUFB10-related condition.

Allele frequency attached by ClinVar (database versions not stated): TOPMed 0.00026; 1000 Genomes Project 0.00140; gnomAD 0.00017; ExAC 0.00029; 1000 Genomes Project 30x 0.00141.

Submissions (2):

Labcorp Genetics (formerly Invitae), Labcorp
Classification: Benign. Last evaluated: 2026-01-26. Review status: criteria provided, single submitter. Criteria: Invitae Variant Classification Sherloc (09022015). Collection method: clinical testing. Allele origin: germline.

PreventionGenetics, part of Exact Sciences
Classification: Likely benign for NDUFB10-related condition. Last evaluated: 2020-10-19. Review status: no assertion criteria provided. Collection method: clinical testing. Allele origin: germline. Not counted in ClinVar's aggregate classification.
Comment: This variant is classified as likely benign based on ACMG/AMP sequence variant interpretation guidelines (Richards et al. 2015 PMID: 25741868, with internal and published modifications).